The following is an entry in ClinVar:

ClinVar aggregate classification (germline): Uncertain significance (1 of 4 stars; one submission).

Conditions:
Hereditary spastic paraplegia 49 (HSAN9). Also called: TECPR2-Related Hereditary Sensory and Autonomic Neuropathy with Intellectual Disability; NEUROPATHY, HEREDITARY SENSORY AND AUTONOMIC, TYPE IX, WITH DEVELOPMENTAL DELAY; Spastic paraplegia 49, autosomal recessive. Identifiers: Orphanet 320385, MedGen C5190860, MONDO:0014016, OMIM 615031.

Allele frequency attached by ClinVar (database versions not stated): gnomAD 0.00005; ExAC 0.00008.
gnomAD v4.1: 68 of 1,612,248 alleles (0.0042%); highest among the groups gnomAD compares: South Asian, 0.018%; no homozygotes.

Submission:

Labcorp Genetics (formerly Invitae), Labcorp
Classification: Uncertain significance for Hereditary spastic paraplegia 49. Last evaluated: 2024-11-18. Review status: criteria provided, single submitter. Criteria: Invitae Variant Classification Sherloc (09022015). Collection method: clinical testing. Allele origin: germline.
Comment: This sequence change replaces serine, which is neutral and polar, with leucine, which is neutral and non-polar, at codon 449 of the TECPR2 protein (p.Ser449Leu). This variant is present in population databases (rs770524678, gnomAD 0.01%). This variant has not been reported in the literature in individuals affected with TECPR2-related conditions. ClinVar contains an entry for this variant (Variation ID: 2051822). An algorithm developed to predict the effect of missense changes on protein structure and function (PolyPhen-2) suggests that this variant¬†is likely to be tolerated. In summary, the available evidence is currently insufficient to determine the role of this variant in disease. Therefore, it has been classified as a Variant of Uncertain Significance.

NM_014844.5(TECPR2):c.1346C>T (p.Ser449Leu)

Gene: TECPR2 (tectonin beta-propeller repeat containing 2; plus strand). Cytogenetic location: 14q32.31.
Variant type: single nucleotide variant.
Coding change: c.1346C>T on transcript NM_014844.5 (MANE Select); coding-DNA position 1346, C replaced by T.
Protein change: p.Ser449Leu; replaces serine 449 with leucine.
Molecular consequence: missense variant.
Genome position (GRCh38, 1-based): chr14:102,432,057, C>T. VCF-style: chr14-102432057-C-T. GRCh37 (hg19) VCF-style: chr14-102898394-C-T.
Other names: c.1346C>T, p.Ser449Leu (NM_001172631.3); short protein forms S449L.
Identifiers: ClinVar variation 2051822 (VCV002051822.2), dbSNP rs770524678, ClinGen allele CA7357702.